The following is an entry in ClinVar:

NM_000419.5(ITGA2B):c.3068T>C (p.Phe1023Ser)

Gene: ITGA2B (integrin subunit alpha 2b; minus strand). Cytogenetic location: 17q21.31.
Variant type: single nucleotide variant.
Coding change: c.3068T>C on transcript NM_000419.5 (MANE Select); coding-DNA position 3068, T replaced by C.
Protein change: p.Phe1023Ser; replaces phenylalanine 1023 with serine.
Molecular consequence: missense variant.
Genome position (GRCh38, 1-based): chr17:44,372,416, A>G on the plus strand (T>C on the coding strand, the complement: ITGA2B is on the minus strand). VCF-style: chr17-44372416-A-G. GRCh37 (hg19) VCF-style: chr17-42449784-A-G.
Other names: short protein forms F1023S.
Identifiers: ClinVar variation 3251260 (VCV003251260.1), dbSNP rs2510070767.
Genomic context (GRCh38, chr17:44,372,416, plus strand): 5'-CTGCACCATCACTCCCCCTCTTCATCATCTTCTTCCAGGGGTGGCCGGTTCCGCTTGAAG[A>G]AGCCGACCTGGGGGTACACGGGGGCCAAGGTCAGGGTATACAGATGATTTGCTGGCCCCA-3'
Protein context (NP_000410.2, residues 1013-1033): ILVLAMWKVG[Phe1023Ser]FKRNRPPLEE

ClinVar aggregate classification (germline): Uncertain significance (1 of 4 stars; one submission).

Submission:

Women's Health and Genetics/Laboratory Corporation of America, LabCorp
Classification: Uncertain significance. Last evaluated: 2024-04-16. Review status: criteria provided, single submitter. Criteria: LabCorp Variant Classification Summary - May 2015. Collection method: clinical testing. Allele origin: germline.
Comment: Variant summary: ITGA2B c.3068T>C (p.Phe1023Ser) results in a non-conservative amino acid change in the encoded protein sequence. Five of five in-silico tools predict a damaging effect of the variant on protein function. The variant was absent in 251274 control chromosomes. The available data on variant occurrences in the general population are insufficient to allow any conclusion about variant significance. To our knowledge, no occurrence of c.3068T>C in individuals affected with ITGA2B-Related Disorders and no experimental evidence demonstrating its impact on protein function have been reported. No submitters have cited clinical-significance assessments for this variant to ClinVar. Based on the evidence outlined above, the variant was classified as uncertain significance.